The following is an entry in ClinVar:

NM_002472.3(MYH8):c.5664+1G>C

Genes: MYH8 (myosin heavy chain 8; minus strand), MYHAS (myosin heavy chain gene cluster antisense RNA; plus strand). Cytogenetic location: 17p13.1.
Variant type: single nucleotide variant.
Coding change: c.5664+1G>C on transcript NM_002472.3 (MANE Select); the canonical splice donor site of the intron after coding-DNA position 5664, G replaced by C.
Molecular consequence: splice donor variant.
Genome position (GRCh38, 1-based): chr17:10,391,881, C>G on the plus strand (G>C on the coding strand, the complement: MYH8 is on the minus strand). VCF-style: chr17-10391881-C-G. GRCh37 (hg19) VCF-style: chr17-10295198-C-G.
Identifiers: ClinVar variation 5002746 (VCV005002746.1).

ClinVar aggregate classification (germline): Uncertain significance (1 of 4 stars; one submission).

Submission:

OLLIN Analises Genomicas, OLLIN
Classification: Uncertain significance. Last evaluated: 2026-08-06. Review status: criteria provided, single submitter. Criteria: ACMG Guidelines 2015 PMID 25741868. Collection method: clinical testing. Allele origin: germline.
Comment: This variant, located at the canonical splicing site (splice donor), is absent from gnomAD and ClinVar and has not been identified in the literature. This variant is predicted to disrupt a canonical splice site, potentially leading to exon skipping, mRNA degradation via nonsense-mediated decay (NMD), or production of a truncated protein. According to the currently available evidence, this variant has been classified as uncertain significance (PM2_P).